The following is an entry in ClinVar:

NM_001267550.2(TTN):c.20315C>G (p.Thr6772Ser)

Gene: TTN (titin; minus strand). Cytogenetic location: 2q31.2.
Variant type: single nucleotide variant.
Coding change: c.20315C>G on transcript NM_001267550.2 (MANE Select); coding-DNA position 20315, C replaced by G.
Protein change: p.Thr6772Ser; replaces threonine 6772 with serine.
Molecular consequence: missense variant. On other transcripts: intron variant (3).
Genome position (GRCh38, 1-based): chr2:178,726,007, G>C on the plus strand (C>G on the coding strand, the complement: TTN is on the minus strand). VCF-style: chr2-178726007-G-C. GRCh37 (hg19) VCF-style: chr2-179590734-G-C.
Other names: c.19364C>G, p.Thr6455Ser (NM_001256850.1); c.16583C>G, p.Thr5528Ser (NM_133378.4); c.13282+12075C>G (NM_003319.4); c.13858+12075C>G (NM_133437.4); c.13657+12075C>G (NM_133432.3); short protein forms T5528S, T6455S, T6772S.
Identifiers: ClinVar variation 2636535 (VCV002636535.1), dbSNP rs765440640, ClinGen allele CA2001228.

ClinVar aggregate classification (germline): Uncertain significance (1 of 4 stars; one submission).

Conditions:
TTN-related disorder. Also called: TTN-related condition; TTN-related disease; TTN-related disorders.

Allele frequency attached by ClinVar (database versions not stated): ExAC 0.00002.
gnomAD v4.1: 7 of 1,582,560 alleles (0.00044%); highest among the groups gnomAD compares: South Asian, 0.0082%; no homozygotes.

Submission:

PreventionGenetics, part of Exact Sciences
Classification: Uncertain significance for TTN-related condition. Last evaluated: 2022-09-07. Review status: criteria provided, single submitter. Criteria: ACMG Guidelines, 2015. Collection method: clinical testing. Allele origin: germline.
Comment: The TTN c.20315C>G variant is predicted to result in the amino acid substitution p.Thr6772Ser. To our knowledge, this variant has not been reported in the literature. This variant is reported in 0.015% of alleles in individuals of South Asian descent in gnomAD. At this time, the clinical significance of this variant is uncertain due to the absence of conclusive functional and genetic evidence.